The following is an entry in ClinVar:

NM_032656.4(DHX37):c.1745C>T (p.Pro582Leu)

Gene: DHX37 (DEAH-box helicase 37; minus strand). Cytogenetic location: 12q24.31.
Variant type: single nucleotide variant.
Coding change: c.1745C>T on transcript NM_032656.4 (MANE Select); coding-DNA position 1745, C replaced by T.
Protein change: p.Pro582Leu; replaces proline 582 with leucine.
Molecular consequence: missense variant.
Genome position (GRCh38, 1-based): chr12:124,964,997, G>A on the plus strand (C>T on the coding strand, the complement: DHX37 is on the minus strand). VCF-style: chr12-124964997-G-A. GRCh37 (hg19) VCF-style: chr12-125449543-G-A.
Other names: short protein forms P582L.
Identifiers: ClinVar variation 2061406 (VCV002061406.5), dbSNP rs140932947, ClinGen allele CA6871880.

ClinVar aggregate classification (germline): Uncertain significance. Review status: criteria provided, multiple submitters, no conflicts (2 of 4 stars). 2 submissions from 2 submitters: Uncertain significance (2). Last evaluated 2025-10-06.

Conditions:
Inborn genetic diseases. Identifiers: MedGen C0950123, MeSH D030342.

Allele frequency attached by ClinVar (database versions not stated): gnomAD exomes 0.00006; ExAC 0.00007; ESP Exome Variant Server 0.00008; gnomAD 0.00010; TOPMed 0.00011; 1000 Genomes Project 30x 0.00016; 1000 Genomes Project 0.00020.
gnomAD v4.1: 105 of 1,595,306 alleles (0.0066%); highest among the groups gnomAD compares: Admixed American, 0.018%; no homozygotes.

Submissions (2):

Labcorp Genetics (formerly Invitae), Labcorp
Classification: Uncertain significance. Last evaluated: 2025-10-06. Review status: criteria provided, single submitter. Criteria: Invitae Variant Classification Sherloc (09022015). Collection method: clinical testing. Allele origin: germline.
Comment: This sequence change replaces proline, which is neutral and non-polar, with leucine, which is neutral and non-polar, at codon 582 of the DHX37 protein (p.Pro582Leu). This variant is present in population databases (rs140932947, gnomAD 0.02%). This variant has not been reported in the literature in individuals affected with DHX37-related conditions. ClinVar contains an entry for this variant (Variation ID: 2061406). Invitae Evidence Modeling of protein sequence and biophysical properties (such as structural, functional, and spatial information, amino acid conservation, physicochemical variation, residue mobility, and thermodynamic stability) indicates that this missense variant is not expected to disrupt DHX37 protein function with a negative predictive value of 80%. In summary, the available evidence is currently insufficient to determine the role of this variant in disease. Therefore, it has been classified as a Variant of Uncertain Significance.

Ambry Genetics
Classification: Uncertain significance for Inborn genetic diseases. Last evaluated: 2021-08-16. Review status: criteria provided, single submitter. Criteria: Ambry Variant Classification Scheme 2023. Collection method: clinical testing. Allele origin: germline.